The following is an entry in ClinVar:

NM_001376232.1(ZP2):c.1784T>C (p.Met595Thr)

Gene: ZP2 (zona pellucida glycoprotein 2; minus strand). Cytogenetic location: 16p12.3.
Variant type: single nucleotide variant.
Coding change: c.1784T>C on transcript NM_001376232.1 (MANE Select); coding-DNA position 1784, T replaced by C.
Protein change: p.Met595Thr; replaces methionine 595 with threonine.
Molecular consequence: missense variant. On other transcripts: non-coding transcript variant (1).
Genome position (GRCh38, 1-based): chr16:21,199,789, A>G on the plus strand (T>C on the coding strand, the complement: ZP2 is on the minus strand). VCF-style: chr16-21199789-A-G. GRCh37 (hg19) VCF-style: chr16-21211110-A-G.
Other names: c.1757T>C, p.Met586Thr (NM_001376231.1); c.1784T>C, p.Met595Thr (NM_001376233.1, NM_003460.2); short protein forms M586T, M595T.
Identifiers: ClinVar variation 4822819 (VCV004822819.4).
Genomic context (GRCh38, chr16:21,199,789, plus strand): 5'-TCTGAATCACTTACCAGGCTAGAGAGCACGTGGGCTTCTGATACAAAGGCAAAAGCCTTC[A>G]TGTCAAACCTCTGATAGTGATCAGGATGGGTCACAGAGGAGCCGACTGGATGGAAGGTGG-3'
Protein context (NP_001363161.1, residues 585-605): THPDHYQRFD[Met595Thr]KAFAFVSEAH

ClinVar aggregate classification (germline): Uncertain significance (1 of 4 stars; one submission).

gnomAD v4.1: 11 of 1,614,110 alleles (0.00068%); highest among the groups gnomAD compares: South Asian, 0.011%; no homozygotes.

Submission:

CeGaT Center for Human Genetics Tuebingen
Classification: Uncertain significance. Last evaluated: 2026-01-01. Review status: criteria provided, single submitter. Criteria: CeGaT Center For Human Genetics Tuebingen Variant Classification Criteria Version 2. Collection method: clinical testing. Allele origin: germline. Affected: yes. Observed: 1 variant allele.
Comment: ZP2: PM2, BP4